The following is an entry in ClinVar:

ClinVar aggregate classification (germline): Uncertain significance (1 of 4 stars; one submission).

Conditions:
Wiedemann-Steiner syndrome (WDSTS). Also called: Growth deficiency and mental retardation with facial dysmorphism. Identifiers: Orphanet 319182, MedGen C1854630, MONDO:0011518, OMIM 605130.

Submission:

3billion
Classification: Uncertain significance for Wiedemann-Steiner syndrome. Last evaluated: 2025-02-25. Review status: criteria provided, single submitter. Criteria: ACMG Guidelines, 2015. Collection method: clinical testing. Allele origin: germline. Affected: yes.
Comment: The variant is not observed in the gnomAD v4.1.0 dataset. Predicted Consequence/Location: Missense variant In silico tool predictions suggest damaging effect of the variant on gene or gene product [REVEL: 0.70 (>=0.6, sensitivity 0.68 and specificity 0.92)]. Therefore, this variant is classified as VUS according to the recommendation of ACMG/AMP guideline.

NM_001197104.2(KMT2A):c.4195C>G (p.His1399Asp)

Gene: KMT2A (lysine methyltransferase 2A; plus strand). Cytogenetic location: 11q23.3.
Variant type: single nucleotide variant.
Coding change: c.4195C>G on transcript NM_001197104.2 (MANE Select); coding-DNA position 4195, C replaced by G.
Protein change: p.His1399Asp; replaces histidine 1399 with aspartic acid.
Molecular consequence: missense variant.
Genome position (GRCh38, 1-based): chr11:118,484,291, C>G. VCF-style: chr11-118484291-C-G. GRCh37 (hg19) VCF-style: chr11-118355006-C-G.
Other names: c.4294C>G, p.His1432Asp (NM_001412597.1); c.4195C>G, p.His1399Asp (NM_005933.4); short protein forms H1399D, H1432D.
Identifiers: ClinVar variation 4292195 (VCV004292195.1).